The following is an entry in ClinVar:

NM_000264.5(PTCH1):c.488A>G (p.Lys163Arg)

Gene: PTCH1 (patched 1; minus strand). Cytogenetic location: 9q22.32.
Variant type: single nucleotide variant.
Coding change: c.488A>G on transcript NM_000264.5 (MANE Select); coding-DNA position 488, A replaced by G.
Protein change: p.Lys163Arg; replaces lysine 163 with arginine.
Molecular consequence: missense variant. On other transcripts: non-coding transcript variant (1).
Genome position (GRCh38, 1-based): chr9:95,485,781, T>C on the plus strand (A>G on the coding strand, the complement: PTCH1 is on the minus strand). VCF-style: chr9-95485781-T-C. GRCh37 (hg19) VCF-style: chr9-98248063-T-C.
Other names: c.290A>G, p.Lys97Arg (NM_001083602.3, NM_001354919.2); c.485A>G, p.Lys162Arg (NM_001083603.3); c.35A>G, p.Lys12Arg (NM_001083604.3, NM_001083605.3, NM_001083606.3 and 1 more transcripts); c.488A>G, p.Lys163Arg (NM_001354918.2); short protein forms K12R, K162R, K163R, K97R.
Identifiers: ClinVar variation 1383585 (VCV001383585.8), dbSNP rs56406491, ClinGen allele CA5138933.
Genomic context (GRCh38, chr9:95,485,781, plus strand): 5'-AGTGCCGAGTCCAGGTGTTGTAGGAGCGCTTCTGTGGTCAGGACATTAGCACCTTCTTCT[T>C]TAGGGGTCTGTATCATGAGTTGAGGATTAAACATAGCCTCTTCTCCAATCTTCTGGCGAG-3'
Protein context (NP_000255.2, residues 153-173): FNPQLMIQTP[Lys163Arg]EEGANVLTTE

ClinVar aggregate classification (germline): Uncertain significance (1 of 4 stars; one submission).

Conditions:
Gorlin syndrome. Also called: Basal cell nevus syndrome; Nevoid Basal Cell Carcinoma Syndrome. Identifiers: Orphanet 377, MedGen C0004779, MONDO:0007187.

Allele frequency attached by ClinVar (database versions not stated): gnomAD exomes below 0.00001; ExAC 0.00002.

Submission:

Labcorp Genetics (formerly Invitae), Labcorp
Classification: Uncertain significance for Gorlin syndrome. Last evaluated: 2020-12-23. Review status: criteria provided, single submitter. Criteria: Invitae Variant Classification Sherloc (09022015). Collection method: clinical testing. Allele origin: germline.
Comment: In summary, the available evidence is currently insufficient to determine the role of this variant in disease. Therefore, it has been classified as a Variant of Uncertain Significance. Advanced modeling of protein sequence and biophysical properties (such as structural, functional, and spatial information, amino acid conservation, physicochemical variation, residue mobility, and thermodynamic stability) performed at Invitae indicates that this missense variant is not expected to disrupt PTCH1 protein function. This variant has not been reported in the literature in individuals with PTCH1-related conditions. This variant is present in population databases (rs56406491, ExAC 0.003%). This sequence change replaces lysine with arginine at codon 163 of the PTCH1 protein (p.Lys163Arg). The lysine residue is weakly conserved and there is a small physicochemical difference between lysine and arginine.